The following is an entry in ClinVar:

NM_001077350.3(NPRL3):c.1198C>T (p.Arg400Cys)

Genes: HBA-LCR (alpha-globin locus control region; plus strand), NPRL3 (NPR3 like, GATOR1 complex subunit; minus strand). Cytogenetic location: 16p13.3.
Variant type: single nucleotide variant.
Coding change: c.1198C>T on transcript NM_001077350.3 (MANE Select); coding-DNA position 1198, C replaced by T.
Protein change: p.Arg400Cys; replaces arginine 400 with cysteine.
Molecular consequence: missense variant.
Genome position (GRCh38, 1-based): chr16:89,866, G>A on the plus strand (C>T on the coding strand, the complement: NPRL3 is on the minus strand). VCF-style: chr16-89866-G-A. GRCh37 (hg19) VCF-style: chr16-139864-G-A.
Other names: c.661C>T, p.Arg221Cys (NM_001039476.3); c.964C>T, p.Arg322Cys (NM_001243247.2); c.1123C>T, p.Arg375Cys (NM_001243248.2, NM_001243249.2); short protein forms R322C, R400C, R221C, R375C.
Identifiers: ClinVar variation 933640 (VCV000933640.10), dbSNP rs556683821, ClinGen allele CA7769415.
Genomic context (GRCh38, chr16:89,866, plus strand): 5'-CCTCCTCGCTGGGTGAGGCCATCAGGCAGACATAGGTGTGCAGCTGGATGAGAAGCCGGC[G>A]CTGCAGCATCCACACCACCATCTGGATGAGCTGGGTCTGCGGGTGGCAGCAGGTGAGGCT-3'
Protein context (NP_001070818.1, residues 390-410): LIQMVVWMLQ[Arg400Cys]RLLIQLHTYV

ClinVar aggregate classification (germline): Uncertain significance (1 of 4 stars; one submission).

Conditions:
Epilepsy, familial focal, with variable foci 3 (FFEVF3). Identifiers: MedGen C4310708, MONDO:0014925, OMIM 617118.

Allele frequency attached by ClinVar (database versions not stated): ExAC below 0.00001; gnomAD 0.00001 and 0.00002; gnomAD exomes 0.00001; TOPMed 0.00002; 1000 Genomes Project 30x 0.00016; 1000 Genomes Project 0.00020.

Submission:

Labcorp Genetics (formerly Invitae), Labcorp
Classification: Uncertain significance for Epilepsy, familial focal, with variable foci 3. Last evaluated: 2025-05-04. Review status: criteria provided, single submitter. Criteria: Invitae Variant Classification Sherloc (09022015). Collection method: clinical testing. Allele origin: germline.
Comment: This sequence change replaces arginine, which is basic and polar, with cysteine, which is neutral and slightly polar, at codon 400 of the NPRL3 protein (p.Arg400Cys). The frequency data for this variant in the population databases is considered unreliable, as metrics indicate poor data quality at this position in the gnomAD database. This variant has not been reported in the literature in individuals affected with NPRL3-related conditions. ClinVar contains an entry for this variant (Variation ID: 933640). Invitae Evidence Modeling of protein sequence and biophysical properties (such as structural, functional, and spatial information, amino acid conservation, physicochemical variation, residue mobility, and thermodynamic stability) indicates that this missense variant is not expected to disrupt NPRL3 protein function with a negative predictive value of 80%. In summary, the available evidence is currently insufficient to determine the role of this variant in disease. Therefore, it has been classified as a Variant of Uncertain Significance.